The following is an entry in ClinVar:

NM_014264.5(PLK4):c.10T>A (p.Cys4Ser)

Genes: PLK4 (polo like kinase 4; plus strand), LOC129993054 (ATAC-STARR-seq lymphoblastoid active region 21887; plus strand). Cytogenetic location: 4q28.1.
Variant type: single nucleotide variant.
Coding change: c.10T>A on transcript NM_014264.5 (MANE Select); coding-DNA position 10, T replaced by A.
Protein change: p.Cys4Ser; replaces cysteine 4 with serine.
Molecular consequence: missense variant.
Genome position (GRCh38, 1-based): chr4:127,881,144, T>A. VCF-style: chr4-127881144-T-A. GRCh37 (hg19) VCF-style: chr4-128802299-T-A.
Other names: c.10T>A, p.Cys4Ser (NM_001190799.2); short protein forms C4S.
Identifiers: ClinVar variation 2013559 (VCV002013559.4), dbSNP rs145837106, ClinGen allele CA105685291.

ClinVar aggregate classification (germline): Uncertain significance (1 of 4 stars; one submission).

Allele frequency attached by ClinVar (database versions not stated): TOPMed below 0.00001; ESP Exome Variant Server 0.00008.
gnomAD v4.1: 9 of 1,613,874 alleles (0.00056%); highest among the groups gnomAD compares: Non-Finnish European, 0.00076%; no homozygotes.

Submission:

Labcorp Genetics (formerly Invitae), Labcorp
Classification: Uncertain significance. Last evaluated: 2022-11-28. Review status: criteria provided, single submitter. Criteria: Invitae Variant Classification Sherloc (09022015). Collection method: clinical testing. Allele origin: germline.
Comment: In summary, the available evidence is currently insufficient to determine the role of this variant in disease. Therefore, it has been classified as a Variant of Uncertain Significance. Algorithms developed to predict the effect of missense changes on protein structure and function (SIFT, PolyPhen-2, Align-GVGD) all suggest that this variant is likely to be tolerated. This variant has not been reported in the literature in individuals affected with PLK4-related conditions. This variant is not present in population databases (gnomAD no frequency). This sequence change replaces cysteine, which is neutral and slightly polar, with serine, which is neutral and polar, at codon 4 of the PLK4 protein (p.Cys4Ser).